The following is an entry in ClinVar:

NM_002474.3(MYH11):c.5172-14C>T

Genes: MYH11 (myosin heavy chain 11; minus strand), NDE1 (nudE neurodevelopment protein 1; plus strand). Cytogenetic location: 16p13.11.
Variant type: single nucleotide variant.
Coding change: c.5172-14C>T on transcript NM_002474.3 (MANE Select); 14 bases into the intron before coding-DNA position 5172, C replaced by T.
Molecular consequence: intron variant.
Genome position (GRCh38, 1-based): chr16:15,718,452, G>A on the plus strand (C>T on the coding strand, the complement: MYH11 is on the minus strand). VCF-style: chr16-15718452-G-A. GRCh37 (hg19) VCF-style: chr16-15812309-G-A.
Other names: c.948-5739G>A (NM_001143979.2, NM_017668.3); c.5172-14C>T (NM_022844.3); c.5193-14C>T (NM_001040114.2, NM_001040113.2).
Identifiers: ClinVar variation 36625 (VCV000036625.42), dbSNP rs34839877, ClinGen allele CA202658.

ClinVar aggregate classification (germline): Benign/Likely benign. Review status: criteria provided, multiple submitters, no conflicts (2 of 4 stars). 15 submissions from 14 submitters: Benign (12); Likely benign (2). 1 of the submissions does not count toward it. Last evaluated 2026-02-04.

Conditions:
Familial aortopathy. Identifiers: MedGen CN078214.
Familial thoracic aortic aneurysm and aortic dissection (TAAD). Also called: Thoracic aortic aneurysms and dissections. Identifiers: Orphanet 91387, MedGen C4707243, MONDO:0019625.
Lissencephaly 4 (LIS4). Also called: Lissencephaly 4 (with microcephaly). Identifiers: Orphanet 1083, MedGen C3151461, MONDO:0013527, OMIM 614019.
Aortic aneurysm, familial thoracic 4 (AAT4). Also called: AORTIC ANEURYSM/AORTIC DISSECTION AND PATENT DUCTUS ARTERIOSUS. Identifiers: MedGen C1851504, MONDO:0007568, OMIM 132900.

Allele frequency attached by ClinVar (database versions not stated): gnomAD exomes 0.03042 and 0.03700; TOPMed 0.03548; ESP Exome Variant Server 0.03587; gnomAD 0.03595 and 0.03680; 1000 Genomes Project 30x 0.04169; 1000 Genomes Project 0.04353; ExAC 0.06660.
gnomAD v4.1: 48,345 of 1,547,344 alleles (3.1%); highest among the groups gnomAD compares: South Asian, 8.5%; 1,101 homozygotes.

Submissions (15):

Labcorp Genetics (formerly Invitae), Labcorp
Classification: Benign for Aortic aneurysm, familial thoracic 4. Last evaluated: 2026-02-04. Review status: criteria provided, single submitter. Criteria: Invitae Variant Classification Sherloc (09022015). Collection method: clinical testing. Allele origin: germline.

ARUP Laboratories, Molecular Genetics and Genomics, ARUP Laboratories
Classification: Benign. Last evaluated: 2025-07-22. Review status: criteria provided, single submitter. Criteria: ARUP Molecular Germline Variant Investigation Process 2024. Collection method: clinical testing. Allele origin: germline.

Blueprint Genetics
Classification: Benign. Last evaluated: 2024-11-27. Review status: criteria provided, single submitter. Criteria: ACMG Guidelines, 2015. Collection method: clinical testing. Allele origin: germline.

All of Us Research Program, National Institutes of Health
Classification: Benign for Familial thoracic aortic aneurysm and aortic dissection. Last evaluated: 2024-02-05. Review status: criteria provided, single submitter. Criteria: ACMG Guidelines, 2015. Collection method: clinical testing. Allele origin: germline. Inheritance: Autosomal dominant inheritance. Observed: 6,218 variant alleles, 6,116 heterozygotes, 102 homozygotes.
Comment: This study involves interpretation of variants in research participants for the purpose of population health screening. Participant phenotype was not available at the time of variant classification. Additional details can be found in publication PMID: 35346344, PMCID: PMC8962531

Color Diagnostics, LLC DBA Color Health
Classification: Benign for Familial thoracic aortic aneurysm and aortic dissection. Last evaluated: 2018-03-07. Review status: criteria provided, single submitter. Criteria: ACMG Guidelines, 2015. Collection method: clinical testing. Allele origin: germline.

Illumina Laboratory Services, Illumina
Classification: Benign for Aortic aneurysm, familial thoracic 4. Last evaluated: 2018-01-12. Review status: criteria provided, single submitter. Criteria: ICSL Variant Classification Criteria 13 December 2019. Collection method: clinical testing. Allele origin: germline.
Comment: This variant was observed in the ICSL laboratory as part of a predisposition screen in an ostensibly healthy population. It had not been previously curated by ICSL or reported in the Human Gene Mutation Database (HGMD: prior to June 1st, 2018), and was therefore a candidate for classification through an automated scoring system. Utilizing variant allele frequency, disease prevalence and penetrance estimates, and inheritance mode, an automated score was calculated to assess if this variant is too frequent to cause the disease. Based on the score and internal cut-off values, a variant classified as benign is not then subjected to further curation. The score for this variant resulted in a classification of benign for this disease.

Illumina Laboratory Services, Illumina
Classification: Likely benign for Lissencephaly 4. Last evaluated: 2017-04-27. Review status: criteria provided, single submitter. Criteria: ICSL Variant Classification Criteria 13 December 2019. Collection method: clinical testing. Allele origin: germline.
Comment: This variant was observed as part of a predisposition screen in an ostensibly healthy population. A literature search was performed for the gene, cDNA change, and amino acid change (where applicable). No publications were found based on this search. Allele frequency data from public databases allowed determination this variant is unlikely to cause disease. Therefore, this variant is classified as likely benign.

Genome Diagnostics Laboratory, University Medical Center Utrecht
Classification: Benign for Aortic aneurysm, familial thoracic 4. Last evaluated: 2014-10-09. Review status: criteria provided, single submitter. Criteria: ACGS Guidelines, 2013. Collection method: clinical testing. Allele origin: germline. Affected: yes. Study: VKGL Data-share Consensus.

Eurofins Ntd Llc (ga)
Classification: Benign. Last evaluated: 2014-08-26. Review status: criteria provided, single submitter. Criteria: EGL Classification Definitions 2015. Collection method: clinical testing. Allele origin: germline. Observed: 3 variant alleles, 3 heterozygotes.

Laboratory for Molecular Medicine, Mass General Brigham Personalized Medicine
Classification: Benign. Last evaluated: 2013-04-04. Review status: criteria provided, single submitter. Criteria: LMM Criteria. Collection method: clinical testing. Allele origin: germline. Observed: 4 variant alleles.
Comment: 5193-14C>T in intron 37 of MYH11: This variant is not expected to have clinical significance because it has been identified in 5.2% (227/4324) of African Americ an chromosomes from a broad population by the NHLBI Exome Sequencing Project (dbSNP rs34839877).

GeneDx
Classification: Benign. Last evaluated: 2012-11-12. Review status: criteria provided, single submitter. Criteria: GeneDx Variant Classification (06012015). Collection method: clinical testing. Allele origin: germline. Affected: yes.
Comment: This variant is considered likely benign or benign based on one or more of the following criteria: it is a conservative change, it occurs at a poorly conserved position in the protein, it is predicted to be benign by multiple in silico algorithms, and/or has population frequency not consistent with disease.

Women's Health and Genetics/Laboratory Corporation of America, LabCorp
Classification: Benign for Aortopathy. Last evaluated: 2011-08-18. Review status: criteria provided, single submitter. Criteria: LabCorp Variant Classification Summary - May 2015. Collection method: curation. Allele origin: germline. Inheritance: autosomal unknown. Affected: yes.
ClinVar note: Converted during submission from benign to Benign.

Breakthrough Genomics
Classification: Likely benign. Review status: criteria provided, single submitter. Criteria: ACMG Guidelines, 2015. Collection method: not provided. Allele origin: germline. Inheritance: Autosomal recessive inheritance. Affected: yes.

PreventionGenetics, part of Exact Sciences
Classification: Benign. Review status: criteria provided, single submitter. Criteria: ACMG Guidelines, 2015. Collection method: clinical testing. Allele origin: germline.

Genome Diagnostics Laboratory, Amsterdam University Medical Center
Classification: Benign for Aortic aneurysm, familial thoracic 4. Last evaluated: 2014-02-04. Review status: no assertion criteria provided. Criteria: ACGS Guidelines, 2013. Collection method: clinical testing. Allele origin: germline. Affected: yes. Study: VKGL Data-share Consensus. Not counted in ClinVar's aggregate classification.